The following is an entry in ClinVar:

ClinVar aggregate classification (germline): Pathogenic (1 of 4 stars; one submission).

Conditions:
Familial thoracic aortic aneurysm and aortic dissection (TAAD). Also called: Thoracic aortic aneurysms and dissections. Identifiers: Orphanet 91387, MedGen C4707243, MONDO:0019625.
Marfan syndrome (MFS). Also called: MARFAN SYNDROME, TYPE I; Marfan syndrome type 1; Marfan's syndrome; Marfan syndrome, classic; FBN1-Related Marfan Syndrome. Identifiers: Orphanet 284963, Orphanet 558, MedGen C0024796, MONDO:0007947, OMIM 154700.

Submission:

Labcorp Genetics (formerly Invitae), Labcorp
Classification: Pathogenic for Marfan syndrome; Familial thoracic aortic aneurysm and aortic dissection. Last evaluated: 2022-09-09. Review status: criteria provided, single submitter. Criteria: Invitae Variant Classification Sherloc (09022015). Collection method: clinical testing. Allele origin: germline.
Comment: For these reasons, this variant has been classified as Pathogenic. This variant has not been reported in the literature in individuals affected with FBN1-related conditions. This variant is not present in population databases (gnomAD no frequency). This sequence change creates a premature translational stop signal (p.Cys1367*) in the FBN1 gene. It is expected to result in an absent or disrupted protein product. Loss-of-function variants in FBN1 are known to be pathogenic (PMID: 17657824, 19293843).

Literature cited by the submitters: PubMed 17657824; PubMed 19293843.

NM_000138.5(FBN1):c.4101T>A (p.Cys1367Ter)

Gene: FBN1 (fibrillin 1; minus strand). Cytogenetic location: 15q21.1.
Variant type: single nucleotide variant.
Coding change: c.4101T>A on transcript NM_000138.5 (MANE Select); coding-DNA position 4101, T replaced by A.
Protein change: p.Cys1367Ter; replaces cysteine 1367 with a stop codon.
Molecular consequence: nonsense.
Genome position (GRCh38, 1-based): chr15:48,474,364, A>T on the plus strand (T>A on the coding strand, the complement: FBN1 is on the minus strand). VCF-style: chr15-48474364-A-T. GRCh37 (hg19) VCF-style: chr15-48766561-A-T.
Other names: c.4101T>A, p.Cys1367Ter (NM_001406716.1); short protein forms C1367*.
Identifiers: ClinVar variation 2029758 (VCV002029758.4), dbSNP rs2505517919, ClinGen allele CA392320353.